The following is an entry in ClinVar:

ClinVar aggregate classification (germline): Likely benign. Review status: criteria provided, multiple submitters, no conflicts (2 of 4 stars). 4 submissions from 4 submitters: Likely benign (4). Last evaluated 2025-12-13.

Conditions:
Cardiovascular phenotype. Identifiers: MedGen CN230736.
Cardiomyopathy (CMYO). Also called: Cardiomyopathies. Identifiers: Orphanet 167848, MedGen C0878544, MONDO:0004994, HP:0001638. Inheritance: Various modes of inheritance.
Hypertrophic cardiomyopathy. Also called: HYPERTROPHIC MYOCARDIOPATHY. Identifiers: Orphanet 217569, MedGen C0007194, MeSH D002312, MONDO:0005045, HP:0001639.

Allele frequency attached by ClinVar (database versions not stated): gnomAD exomes below 0.00001; gnomAD 0.00001; TOPMed below 0.00001.
gnomAD v4.1: 3 of 1,613,984 alleles (0.00019%); highest among the groups gnomAD compares: African/African-American, 0.004%; no homozygotes.

Submissions (4):

Labcorp Genetics (formerly Invitae), Labcorp
Classification: Likely benign for Hypertrophic cardiomyopathy. Last evaluated: 2025-12-13. Review status: criteria provided, single submitter. Criteria: Invitae Variant Classification Sherloc (09022015). Collection method: clinical testing. Allele origin: germline.

All of Us Research Program, National Institutes of Health
Classification: Likely benign for Cardiomyopathy. Last evaluated: 2023-02-24. Review status: criteria provided, single submitter. Criteria: ACMG Guidelines, 2015. Collection method: clinical testing. Allele origin: germline. Inheritance: Autosomal dominant inheritance. Observed: 1 variant allele, 1 heterozygote.
Comment: This study involves interpretation of variants in research participants for the purpose of population health screening. Participant phenotype was not available at the time of variant classification. Additional details can be found in publication PMID: 35346344, PMCID: PMC8962531

Ambry Genetics
Classification: Likely benign for Cardiovascular phenotype. Last evaluated: 2022-06-28. Review status: criteria provided, single submitter. Criteria: Ambry Variant Classification Scheme 2023. Collection method: clinical testing. Allele origin: germline.

Color Diagnostics, LLC DBA Color Health
Classification: Likely benign for Cardiomyopathy. Last evaluated: 2019-12-04. Review status: criteria provided, single submitter. Criteria: ACMG Guidelines, 2015. Collection method: clinical testing. Allele origin: germline.

NM_000257.4(MYH7):c.2287-4G>A

Genes: MYH7 (myosin heavy chain 7; minus strand), LOC126861898 (BRD4-independent group 4 enhancer GRCh37_chr14:23893609-23894808; plus strand). Cytogenetic location: 14q11.2.
Variant type: single nucleotide variant.
Coding change: c.2287-4G>A on transcript NM_000257.4 (MANE Select); 4 bases into the intron before coding-DNA position 2287, G replaced by A.
Molecular consequence: intron variant.
Genome position (GRCh38, 1-based): chr14:23,425,422, C>T on the plus strand (G>A on the coding strand, the complement: MYH7 is on the minus strand). VCF-style: chr14-23425422-C-T. GRCh37 (hg19) VCF-style: chr14-23894631-C-T.
Identifiers: ClinVar variation 919389 (VCV000919389.8), dbSNP rs1231476855, ClinGen allele CA612937574.
Genomic context (GRCh38, chr14:23,425,422, plus strand): 5'-CAGCCTCTCGTCCCTCATTTCCTCCAGCAGCCCCAGCAGCCCGGCCTTGAAGAACACCTG[C>T]AGGCAAGGTGTGTGTTGGCCATGACTAGGGAGGGGTACGAGGGAAAGAGATGGTGGGGAT-3'